The following is an entry in ClinVar:

ClinVar aggregate classification (germline): Benign (3 of 4 stars; one submission).

Conditions:
Breast-ovarian cancer, familial, susceptibility to, 2 (BROVCA2). Also called: BRCA2 Hereditary Breast and Ovarian Cancer. Identifiers: Orphanet 145, MedGen C2675520, MONDO:0012933, OMIM 612555. Disease mechanism: loss of function.

Allele frequency attached by ClinVar (database versions not stated): gnomAD 0.00003; TOPMed 0.00005; 1000 Genomes Project 30x 0.00031; 1000 Genomes Project 0.00419.
gnomAD v4.1: 9 of 147,966 alleles (0.0061%); highest among the groups gnomAD compares: African/African-American, 0.017%; no homozygotes.

Submission:

Evidence-based Network for the Interpretation of Germline Mutant Alleles (ENIGMA)
Classification: Benign for Breast-ovarian cancer, familial, susceptibility to, 2. Last evaluated: 2016-09-28. Review status: reviewed by expert panel. Criteria: ENIGMA BRCA1/2 Classification Criteria (2015). Collection method: curation. Allele origin: germline.
Comment: Class 1 not pathogenic based on frequency >1% in an outbred sampleset. Frequency 0.0106 (African), derived from 1000 genomes (2013-05-02).

NM_000059.4(BRCA2):c.632-1199C>T

Gene: BRCA2 (BRCA2 DNA repair associated; plus strand). Cytogenetic location: 13q13.1.
Variant type: single nucleotide variant.
Coding change: c.632-1199C>T on transcript NM_000059.4 (MANE Select); 1199 bases into the intron before coding-DNA position 632, C replaced by T.
Molecular consequence: intron variant.
Genome position (GRCh38, 1-based): chr13:32,328,244, C>T. VCF-style: chr13-32328244-C-T. GRCh37 (hg19) VCF-style: chr13-32902381-C-T.
Identifiers: ClinVar variation 264917 (VCV000264917.1), dbSNP rs531627369, ClinGen allele CA10588082.